The following is an entry in ClinVar:

ClinVar aggregate classification (germline): Benign. Review status: reviewed by expert panel (3 of 4 stars). 21 submissions from 21 submitters: Benign (1). 20 of the submissions do not count toward it. Last evaluated 2015-08-10.

Conditions:
Hereditary cancer-predisposing syndrome. Also called: Hereditary Cancer Syndrome; Tumor predisposition; Neoplastic Syndromes, Hereditary; Hereditary neoplastic syndrome. Identifiers: Orphanet 140162, MedGen C0027672, MeSH D009386, MONDO:0015356.
Hereditary breast ovarian cancer syndrome. Also called: Breast and ovarian cancer; BRCA1- and BRCA2-Associated Hereditary Breast and Ovarian Cancer; Hereditary breast and ovarian cancer; Hereditary breast and ovarian cancer syndrome (HBOC); Hereditary breast and ovarian cancer syndrome; Hereditary breast and/or ovarian cancer syndrome. Identifiers: Orphanet 145, MedGen C0677776, MeSH D061325, MONDO:0003582. Disease mechanism: loss of function.
Breast-ovarian cancer, familial, susceptibility to, 2 (BROVCA2). Also called: BRCA2 Hereditary Breast and Ovarian Cancer. Identifiers: Orphanet 145, MedGen C2675520, MONDO:0012933, OMIM 612555. Disease mechanism: loss of function.
Malignant tumor of breast. Also called: Malignant breast neoplasm; Cancer breast. Identifiers: MedGen C0006142, MONDO:0007254. Disease mechanism: loss of function.

Allele frequency attached by ClinVar (database versions not stated): gnomAD 0.00005 and 0.00006; TOPMed 0.00005; 1000 Genomes Project 0.00020.

Submissions 1 to 18 of 21:

Evidence-based Network for the Interpretation of Germline Mutant Alleles (ENIGMA)
Classification: Benign for Breast-ovarian cancer, familial 2. Last evaluated: 2015-08-10. Review status: reviewed by expert panel. Criteria: ENIGMA BRCA1/2 Classification Criteria (2015). Collection method: curation. Allele origin: germline.
Comment: IARC class based on posterior probability from multifactorial likelihood analysis, thresholds for class as per Plon et al. 2008 (PMID: 18951446). Class 1 based on posterior probability = 0.000259

Labcorp Genetics (formerly Invitae), Labcorp
Classification: Benign for Hereditary breast ovarian cancer syndrome. Last evaluated: 2026-01-10. Review status: criteria provided, single submitter. Criteria: Invitae Variant Classification Sherloc (09022015). Collection method: clinical testing. Allele origin: germline. Not counted in ClinVar's aggregate classification.

Dasa
Classification: Likely benign for Breast-ovarian cancer, familial, susceptibility to, 2. Last evaluated: 2025-11-30. Review status: criteria provided, single submitter. Criteria: DASA Assertion Criteria. Collection method: clinical testing. Allele origin: germline. Not counted in ClinVar's aggregate classification.
Comment: NM_000059.4(BRCA2):c.8525G>A (p.Arg2842His) is a missense variant that results in the substitution of arginine with histidine. Multiple computational predictions support a deleterious effect on the gene or gene product. Based on the available data, this variant is classified as likely benign.

CeGaT Center for Human Genetics Tuebingen
Classification: Likely benign. Last evaluated: 2025-09-01. Review status: criteria provided, single submitter. Criteria: CeGaT Center For Human Genetics Tuebingen Variant Classification Criteria Version 2. Collection method: clinical testing. Allele origin: germline. Affected: yes. Observed: 2 variant alleles. Not counted in ClinVar's aggregate classification.
Comment: BRCA2: PM5, BP1, BS3:Moderate, BS1

Center for Genomic Medicine, Rigshospitalet, Copenhagen University Hospital
Classification: Benign. Last evaluated: 2025-03-04. Review status: criteria provided, single submitter. Criteria: ACMG Guidelines, 2015. Collection method: clinical testing. Allele origin: germline. Not counted in ClinVar's aggregate classification.

ARUP Laboratories, Molecular Genetics and Genomics, ARUP Laboratories
Classification: Likely benign. Last evaluated: 2024-10-04. Review status: criteria provided, single submitter. Criteria: ARUP Molecular Germline Variant Investigation Process 2024. Collection method: clinical testing. Allele origin: germline. Not counted in ClinVar's aggregate classification.

Women's Health and Genetics/Laboratory Corporation of America, LabCorp
Classification: Benign. Last evaluated: 2024-07-16. Review status: criteria provided, single submitter. Criteria: LabCorp Variant Classification Summary - May 2015. Collection method: clinical testing. Allele origin: germline. Not counted in ClinVar's aggregate classification.
Comment: Variant summary: BRCA2 c.8525G>A (p.Arg2842His) results in a non-conservative amino acid change located in the Tower domain (IPR015205) of the encoded protein sequence. Five of five in-silico tools predict a damaging effect of the variant on protein function. The variant allele was found at a frequency of 6e-05 in 251110 control chromosomes, predominantly at a frequency of 0.00049 within the East Asian subpopulation in the gnomAD database. In addition, this variant was also reported in 3/7325 European American women, who were older than age 70, and have never had cancer (in the FLOSSIES database). The variant, c.8525G>A, has been reported in the literature in individuals breast cancer, however without strong evidence for causality (e.g. Martin_2001, Weber-Mangal_2003, Lee_2008, Ng_2016, Chan_2018) as well as in at least one individual with a positive family history of breast, ovarian, or pancreatic cancer (Carney_2010). In a recent large study evaluating breast cancer cases and controls in the Breast Cancer Association Consortium (BCAC), the variant was reported in 10/60466 cases, but was also found in 11/53461 controls (Dorling_2021, reported through LOVD). These report(s) do not provide unequivocal conclusions about association of the variant with Hereditary Breast And Ovarian Cancer Syndrome. Co-occurrences with other pathogenic variants have been reported (BRCA1 c.2685_2686del, p.Pro897fs (LOVD database); BRCA1 c.2635G>T, p.E879X (Chan_2018)), providing supporting evidence for a benign role. Multiple publications reported experimental evidence evaluating an impact on protein function, and in general demonstrated similar activity to the wild-type, including homology-directed DNA repair (HDR) assays (e.g. Guidugli_2018, Ikegami_2020, Brnich_2021, Richardson_2021, Biswas_2023). The following publications have been ascertained in the context of this evaluation (PMID: 33964450, 21218378, 30093976, 29394989, 32444794, 19043619, 18284688, 11304778, 26757417, 14520696, 33609447, 33471991, 37922907). ClinVar contains an entry for this variant (Variation ID: 52611). Based on the evidence outlined above, the variant was classified as benign.

Sema4
Classification: Likely benign for Hereditary cancer-predisposing syndrome. Last evaluated: 2021-04-12. Review status: criteria provided, single submitter. Criteria: Sema4 Curation Guidelines. Collection method: curation. Allele origin: germline. Not counted in ClinVar's aggregate classification.

Ambry Genetics
Classification: Benign for Hereditary cancer-predisposing syndrome. Last evaluated: 2021-02-12. Review status: criteria provided, single submitter. Criteria: Ambry Variant Classification Scheme 2023. Collection method: clinical testing. Allele origin: germline. Not counted in ClinVar's aggregate classification.

GeneDx
Classification: Likely benign. Last evaluated: 2020-11-18. Review status: criteria provided, single submitter. Criteria: GeneDx Variant Classification Process June 2021. Collection method: clinical testing. Allele origin: germline. Affected: yes. Not counted in ClinVar's aggregate classification.
Comment: This variant is associated with the following publications: (PMID: 17924331, 21990134, 24323938, 21218378, 19043619, 20167696, 28624499, 11304778, 26757417, 18284688, 14520696, 25348012, 16683254, 28324225, 18951446, 29394989, 30093976, 32444794, 29884841)

Color Diagnostics, LLC DBA Color Health
Classification: Likely benign for Hereditary cancer-predisposing syndrome. Last evaluated: 2020-03-13. Review status: criteria provided, single submitter. Criteria: ACMG Guidelines, 2015. Collection method: clinical testing. Allele origin: germline. Not counted in ClinVar's aggregate classification.

Genome Diagnostics Laboratory, University Medical Center Utrecht
Classification: Likely benign for Breast-ovarian cancer, familial, susceptibility to, 2. Last evaluated: 2017-07-28. Review status: criteria provided, single submitter. Criteria: ACGS Guidelines, 2013. Collection method: clinical testing. Allele origin: germline. Affected: yes. Study: VKGL Data-share Consensus. Not counted in ClinVar's aggregate classification.

Clinical Genetics DNA and cytogenetics Diagnostics Lab, Erasmus MC, Erasmus Medical Center
Classification: Benign for Breast-ovarian cancer, familial, susceptibility to, 2. Last evaluated: 2017-05-31. Review status: criteria provided, single submitter. Criteria: ACGS Guidelines, 2013. Collection method: clinical testing. Allele origin: germline. Affected: yes. Study: VKGL Data-share Consensus. Not counted in ClinVar's aggregate classification.

Department of Pathology and Molecular Medicine, Queen's University
Classification: Benign. Last evaluated: 2017-04-20. Review status: criteria provided, single submitter. Criteria: ACMG Guidelines, 2015. Collection method: clinical testing. Allele origin: germline. Study: The Canadian Open Genetics Repository (COGR). Not counted in ClinVar's aggregate classification.

Counsyl
Classification: Benign for Breast-ovarian cancer, familial, susceptibility to, 2. Last evaluated: 2015-12-04. Review status: no assertion criteria provided. Collection method: clinical testing. Allele origin: unknown. Not counted in ClinVar's aggregate classification.

Sharing Clinical Reports Project (SCRP)
Classification: Benign for Breast-ovarian cancer, familial 2. Last evaluated: 2010-10-07. Review status: no assertion criteria provided. Collection method: clinical testing. Allele origin: germline. Not counted in ClinVar's aggregate classification.

Breast Cancer Information Core (BIC) (BRCA2)
Classification: Uncertain significance for Breast-ovarian cancer, familial 2. Last evaluated: 2002-05-29. Review status: no assertion criteria provided. Collection method: clinical testing. Allele origin: germline. Affected: yes. Observed: 8 variant alleles. Not counted in ClinVar's aggregate classification.

Clinical Genetics Laboratory, Department of Pathology, Netherlands Cancer Institute
Classification: Benign. Review status: no assertion criteria provided. Collection method: clinical testing. Allele origin: germline. Affected: yes. Study: VKGL Data-share Consensus. Not counted in ClinVar's aggregate classification.

NM_000059.4(BRCA2):c.8525G>A (p.Arg2842His)

Gene: BRCA2 (BRCA2 DNA repair associated; plus strand). Cytogenetic location: 13q13.1.
Variant type: single nucleotide variant.
Coding change: c.8525G>A on transcript NM_000059.4 (MANE Select); coding-DNA position 8525, G replaced by A.
Protein change: p.Arg2842His; replaces arginine 2842 with histidine.
Molecular consequence: missense variant.
Genome position (GRCh38, 1-based): chr13:32,370,993, G>A. VCF-style: chr13-32370993-G-A. GRCh37 (hg19) VCF-style: chr13-32945130-G-A.
Other names: p.R2842H:CGC>CAC; 8753G>A; short protein forms R2842H.
Identifiers: ClinVar variation 52611 (VCV000052611.68), dbSNP rs80359105, ClinGen allele CA025692.